The following is an entry in ClinVar:

ClinVar aggregate classification (germline): Uncertain significance. Review status: criteria provided, multiple submitters, no conflicts (2 of 4 stars). 2 submissions from 2 submitters: Uncertain significance (2). Last evaluated 2025-03-01.

Conditions:
Hereditary cancer-predisposing syndrome. Also called: Tumor predisposition; Hereditary Cancer Syndrome; Neoplastic Syndromes, Hereditary; Hereditary neoplastic syndrome. Identifiers: Orphanet 140162, MedGen C0027672, MeSH D009386, MONDO:0015356.
Gorlin syndrome. Also called: Nevoid Basal Cell Carcinoma Syndrome; Basal cell nevus syndrome. Identifiers: Orphanet 377, MedGen C0004779, MONDO:0007187.

gnomAD v4.1: 1 of 1,614,124 alleles (0.000062%); no homozygotes.

Submissions (2):

Ambry Genetics
Classification: Uncertain significance for Hereditary cancer-predisposing syndrome. Last evaluated: 2025-03-01. Review status: criteria provided, single submitter. Criteria: Ambry Variant Classification Scheme 2023. Collection method: clinical testing. Allele origin: germline.
Comment: The p.M363I variant (also known as c.1089G>A), located in coding exon 8 of the PTCH1 gene, results from a G to A substitution at nucleotide position 1089. The methionine at codon 363 is replaced by isoleucine, an amino acid with highly similar properties. This amino acid position is well conserved in available vertebrate species. In addition, this alteration is predicted to be deleterious by in silico analysis. Based on the available evidence, the clinical significance of this variant remains unclear.

Labcorp Genetics (formerly Invitae), Labcorp
Classification: Uncertain significance for Gorlin syndrome. Last evaluated: 2023-01-26. Review status: criteria provided, single submitter. Criteria: Invitae Variant Classification Sherloc (09022015). Collection method: clinical testing. Allele origin: germline.
Comment: This variant has not been reported in the literature in individuals affected with PTCH1-related conditions. ClinVar contains an entry for this variant (Variation ID: 1017322). Advanced modeling of protein sequence and biophysical properties (such as structural, functional, and spatial information, amino acid conservation, physicochemical variation, residue mobility, and thermodynamic stability) performed at Invitae indicates that this missense variant is not expected to disrupt PTCH1 protein function. In summary, the available evidence is currently insufficient to determine the role of this variant in disease. Therefore, it has been classified as a Variant of Uncertain Significance. This variant is not present in population databases (gnomAD no frequency). This sequence change replaces methionine, which is neutral and non-polar, with isoleucine, which is neutral and non-polar, at codon 363 of the PTCH1 protein (p.Met363Ile).

NM_000264.5(PTCH1):c.1089G>A (p.Met363Ile)

Gene: PTCH1 (patched 1; minus strand). Cytogenetic location: 9q22.32.
Variant type: single nucleotide variant.
Coding change: c.1089G>A on transcript NM_000264.5 (MANE Select); coding-DNA position 1089, G replaced by A.
Protein change: p.Met363Ile; replaces methionine 363 with isoleucine.
Molecular consequence: missense variant. On other transcripts: non-coding transcript variant (1).
Genome position (GRCh38, 1-based): chr9:95,479,126, C>T on the plus strand (G>A on the coding strand, the complement: PTCH1 is on the minus strand). VCF-style: chr9-95479126-C-T. GRCh37 (hg19) VCF-style: chr9-98241408-C-T.
Other names: c.891G>A, p.Met297Ile (NM_001083602.3); c.1086G>A, p.Met362Ile (NM_001083603.3); c.636G>A, p.Met212Ile (NM_001083604.3, NM_001083605.3, NM_001083606.3 and 1 more transcripts); c.1089G>A, p.Met363Ile (NM_001354918.2); short protein forms M212I, M297I, M362I, M363I.
Identifiers: ClinVar variation 1017322 (VCV001017322.12), dbSNP rs1841330687, ClinGen allele CA374119499.